The following is an entry in ClinVar:

NM_002474.3(MYH11):c.155A>G (p.Glu52Gly)

Gene: MYH11 (myosin heavy chain 11; minus strand). Cytogenetic location: 16p13.11.
Variant type: single nucleotide variant.
Coding change: c.155A>G on transcript NM_002474.3 (MANE Select); coding-DNA position 155, A replaced by G.
Protein change: p.Glu52Gly; replaces glutamic acid 52 with glycine.
Molecular consequence: missense variant.
Genome position (GRCh38, 1-based): chr16:15,838,098, T>C on the plus strand (A>G on the coding strand, the complement: MYH11 is on the minus strand). VCF-style: chr16-15838098-T-C. GRCh37 (hg19) VCF-style: chr16-15931955-T-C.
Other names: c.155A>G, p.Glu52Gly (NM_001040113.2, NM_001040114.2, NM_022844.3); short protein forms E52G.
Identifiers: ClinVar variation 628355 (VCV000628355.13), dbSNP rs1567211756, ClinGen allele CA395198557.

ClinVar aggregate classification (germline): Uncertain significance. Review status: criteria provided, multiple submitters, no conflicts (2 of 4 stars). 2 submissions from 2 submitters: Uncertain significance (2). Last evaluated 2024-01-24.

Conditions:
Aortic aneurysm, familial thoracic 4 (AAT4). Also called: AORTIC ANEURYSM/AORTIC DISSECTION AND PATENT DUCTUS ARTERIOSUS. Identifiers: MedGen C1851504, MONDO:0007568, OMIM 132900.
Familial thoracic aortic aneurysm and aortic dissection (TAAD). Also called: Thoracic aortic aneurysms and dissections. Identifiers: Orphanet 91387, MedGen C4707243, MONDO:0019625.

Submissions (2):

Labcorp Genetics (formerly Invitae), Labcorp
Classification: Uncertain significance for Aortic aneurysm, familial thoracic 4. Last evaluated: 2024-01-24. Review status: criteria provided, single submitter. Criteria: Invitae Variant Classification Sherloc (09022015). Collection method: clinical testing. Allele origin: germline.
Comment: This sequence change replaces glutamic acid, which is acidic and polar, with glycine, which is neutral and non-polar, at codon 52 of the MYH11 protein (p.Glu52Gly). This variant is not present in population databases (gnomAD no frequency). This missense change has been observed in individual(s) with aortic aneurysm and dissection (Invitae). ClinVar contains an entry for this variant (Variation ID: 628355). Advanced modeling of protein sequence and biophysical properties (such as structural, functional, and spatial information, amino acid conservation, physicochemical variation, residue mobility, and thermodynamic stability) performed at Invitae indicates that this missense variant is not expected to disrupt MYH11 protein function with a negative predictive value of 95%. In summary, the available evidence is currently insufficient to determine the role of this variant in disease. Therefore, it has been classified as a Variant of Uncertain Significance.

Color Diagnostics, LLC DBA Color Health
Classification: Uncertain significance for Familial thoracic aortic aneurysm and aortic dissection. Last evaluated: 2023-12-05. Review status: criteria provided, single submitter. Criteria: ACMG Guidelines, 2015. Collection method: clinical testing. Allele origin: germline.
Comment: This missense variant replaces glutamic acid with glycine at codon 52 of the MYH11 protein. Computational prediction tools and conservation analyses suggest that this variant may have deleterious impact on the protein function. Computational splicing tools suggest that this variant may not impact RNA splicing. To our knowledge, functional assays have not been performed for this variant nor has this variant been reported in individuals affected with cardiovascular disorders in the literature. This variant has not been identified in the general population by the Genome Aggregation Database (gnomAD). Available evidence is insufficient to determine the role of this variant in disease conclusively. Therefore, this variant is classified as a Variant of Uncertain Significance.